The following is an entry in ClinVar:

ClinVar aggregate classification (germline): Conflicting classifications of pathogenicity. Review status: criteria provided, conflicting classifications (1 of 4 stars). 4 submissions from 4 submitters: Pathogenic (1); Likely pathogenic (1); Uncertain significance (2). Last evaluated 2025-09-24.

Conditions:
Neurofibromatosis, type 1 (NF1). Also called: VON RECKLINGHAUSEN DISEASE; NEUROFIBROMATOSIS, TYPE I, SOMATIC; Peripheral type neurofibromatosis; Neurofibromatosis, type I. Identifiers: Orphanet 636, MedGen C0027831, MONDO:0018975, OMIM 162200. Disease mechanism: loss of function.
Hereditary cancer-predisposing syndrome. Also called: Neoplastic Syndromes, Hereditary; Tumor predisposition; Hereditary Cancer Syndrome; Hereditary neoplastic syndrome. Identifiers: Orphanet 140162, MedGen C0027672, MeSH D009386, MONDO:0015356.
Cardiovascular phenotype. Identifiers: MedGen CN230736.

Submissions (4):

Ambry Genetics
Classification: Likely pathogenic for Cardiovascular phenotype; Hereditary cancer-predisposing syndrome. Last evaluated: 2025-09-24. Review status: criteria provided, single submitter. Criteria: Ambry Variant Classification Scheme 2023. Collection method: clinical testing. Allele origin: germline.
Comment: The c.586+5G>C intronic variant results from a G to C substitution 5 nucleotides after coding exon 5 in the NF1 gene. This nucleotide position is highly conserved in available vertebrate species. In silico splice site analysis predicts that this alteration will weaken the native splice donor site. RNA studies have demonstrated that this alteration results in abnormal splicing in the set of samples tested (Ambry internal data). This variant is considered to be rare based on population cohorts in the Genome Aggregation Database (gnomAD). Based on the majority of available evidence to date, this variant is likely to be pathogenic.

Labcorp Genetics (formerly Invitae), Labcorp
Classification: Pathogenic for Neurofibromatosis, type 1. Last evaluated: 2023-11-13. Review status: criteria provided, single submitter. Criteria: Invitae Variant Classification Sherloc (09022015). Collection method: clinical testing. Allele origin: germline.
Comment: This sequence change falls in intron 5 of the NF1 gene. It does not directly change the encoded amino acid sequence of the NF1 protein. It affects a nucleotide within the consensus splice site. This variant is not present in population databases (gnomAD no frequency). This variant has been observed in individual(s) with clinical features of neurofibromatosis type 1 (Invitae). In at least one individual the variant was observed to be de novo. ClinVar contains an entry for this variant (Variation ID: 561921). Variants that disrupt the consensus splice site are a relatively common cause of aberrant splicing (PMID: 17576681, 9536098). Algorithms developed to predict the effect of sequence changes on RNA splicing suggest that this variant may disrupt the consensus splice site. This variant disrupts the c.586+5G nucleotide in the NF1 gene. Other variant(s) that disrupt this nucleotide have been determined to be pathogenic (PMID: 10607834, 18546366, 22617876). This suggests that this nucleotide is clinically significant, and that variants that disrupt this position are likely to be disease-causing. For these reasons, this variant has been classified as Pathogenic.

Genome-Nilou Lab
Classification: Uncertain significance for Neurofibromatosis, type 1. Last evaluated: 2022-03-15. Review status: criteria provided, single submitter. Criteria: ACMG Guidelines, 2015. Collection method: clinical testing. Allele origin: germline. Affected: no.

GeneDx
Classification: Uncertain significance. Last evaluated: 2018-06-21. Review status: criteria provided, single submitter. Criteria: GeneDx Variant Classification (06012015). Collection method: clinical testing. Allele origin: germline. Affected: yes.
Comment: The c.586+5 G>C variant has not been published as a pathogenic variant, nor has it been reported as a benign variant to our knowledge. The c.586+5 G>C variant is not observed in large population cohorts (Lek et al., 2016). Several in silico splice prediction models predict that c.586+5 G>C damages or destroys the natural splice donor site of intron 5 and may lead to abnormal gene splicing. However, in the absence of RNA/functional studies, the actual effect of this sequence change in this individual is unknown. Therefore, based on the currently available information, it is unclear whether this variant is a pathogenic variant or a rare benign variant.

Literature cited by the submitters: PubMed 17576681 (cited by Labcorp Genetics (formerly Invitae), Labcorp); PubMed 9536098 (cited by Labcorp Genetics (formerly Invitae), Labcorp); PubMed 10607834 (cited by Labcorp Genetics (formerly Invitae), Labcorp); PubMed 18546366 (cited by Labcorp Genetics (formerly Invitae), Labcorp); PubMed 22617876 (cited by Labcorp Genetics (formerly Invitae), Labcorp).

NM_001042492.3(NF1):c.586+5G>C

Gene: NF1 (neurofibromin 1; plus strand). Cytogenetic location: 17q11.2.
Variant type: single nucleotide variant.
Coding change: c.586+5G>C on transcript NM_001042492.3 (MANE Select); 5 bases into the intron after coding-DNA position 586, G replaced by C.
Molecular consequence: intron variant.
Genome position (GRCh38, 1-based): chr17:31,170,002, G>C. VCF-style: chr17-31170002-G-C. GRCh37 (hg19) VCF-style: chr17-29497020-G-C.
Other names: c.586+5G>C (NM_000267.4, NM_001128147.3).
Identifiers: ClinVar variation 561921 (VCV000561921.7), dbSNP rs1060500284, ClinGen allele CA658824894.